The following is an entry in ClinVar:

ClinVar aggregate classification (germline): Pathogenic (1 of 4 stars; one submission).

Conditions:
ASXL1-related disorder. Also called: ASXL1-related condition; ASXL1-related disorders.

Allele frequency attached by ClinVar (database versions not stated): gnomAD exomes below 0.00001; TOPMed below 0.00001.
gnomAD v4.1: 2 of 1,614,164 alleles (0.00012%); highest among the groups gnomAD compares: African/African-American, 0.0013%; no homozygotes.

Submission:

PreventionGenetics, part of Exact Sciences
Classification: Pathogenic for ASXL1-related condition. Last evaluated: 2023-08-25. Review status: criteria provided, single submitter. Criteria: ACMG Guidelines, 2015. Collection method: clinical testing. Allele origin: germline.
Comment: The ASXL1 c.2278C>T variant is predicted to result in premature protein termination (p.Gln760*). To our knowledge, this variant has not been reported in the literature. Nonsense variants in ASXL1 are expected to be pathogenic. This variant resides in the final exon of this gene, and it is unclear if the resulting mRNA would undergo nonsense-mediated decay. However, causative truncating variants are reported in the final exon of this gene, including downstream of this variant (e.g. Hoischen et al. 2011. PubMed ID: 21706002). This variant is interpreted as pathogenic.

NM_015338.6(ASXL1):c.2278C>T (p.Gln760Ter)

Gene: ASXL1 (ASXL transcriptional regulator 1; plus strand). Cytogenetic location: 20q11.21.
Variant type: single nucleotide variant.
Coding change: c.2278C>T on transcript NM_015338.6 (MANE Select); coding-DNA position 2278, C replaced by T.
Protein change: p.Gln760Ter; replaces glutamine 760 with a stop codon.
Molecular consequence: nonsense.
Genome position (GRCh38, 1-based): chr20:32,434,990, C>T. VCF-style: chr20-32434990-C-T. GRCh37 (hg19) VCF-style: chr20-31022793-C-T.
Other names: c.2095C>T, p.Gln699Ter (NM_001363734.1); short protein forms Q699*, Q760*.
Identifiers: ClinVar variation 2630966 (VCV002630966.1), dbSNP rs1167715259, ClinGen allele CA408559480.